The following is an entry in ClinVar:

ClinVar aggregate classification (germline): Uncertain significance (1 of 4 stars; one submission).

Allele frequency attached by ClinVar (database versions not stated): TOPMed 0.00001; ExAC 0.00002; gnomAD 0.00003; ESP Exome Variant Server 0.00008.

Submission:

Women's Health and Genetics/Laboratory Corporation of America, LabCorp
Classification: Uncertain significance. Last evaluated: 2022-07-14. Review status: criteria provided, single submitter. Criteria: LabCorp Variant Classification Summary - May 2015. Collection method: clinical testing. Allele origin: germline.
Comment: Variant summary: POLH c.1234C>A (p.Gln412Lys) results in a conservative amino acid change located in the DNA polymerase, Y-family, little finger domain (IPR017961) of the encoded protein sequence. Four of five in-silico tools predict a benign effect of the variant on protein function. The variant allele was found at a frequency of 8e-06 in 250618 control chromosomes. The available data on variant occurrences in the general population are insufficient to allow any conclusion about variant significance. To our knowledge, no occurrence of c.1234C>A in individuals affected with Xeroderma Pigmentosum and no experimental evidence demonstrating its impact on protein function have been reported. No clinical diagnostic laboratories have submitted clinical-significance assessments for this variant to ClinVar after 2014. Based on the evidence outlined above, the variant was classified as uncertain significance.

NM_006502.3(POLH):c.1234C>A (p.Gln412Lys)

Gene: POLH (DNA polymerase eta; plus strand). Cytogenetic location: 6p21.1.
Variant type: single nucleotide variant.
Coding change: c.1234C>A on transcript NM_006502.3 (MANE Select); coding-DNA position 1234, C replaced by A.
Protein change: p.Gln412Lys; replaces glutamine 412 with lysine.
Molecular consequence: missense variant.
Genome position (GRCh38, 1-based): chr6:43,610,713, C>A. VCF-style: chr6-43610713-C-A. GRCh37 (hg19) VCF-style: chr6-43578450-C-A.
Other names: c.862C>A, p.Gln288Lys (NM_001291969.2); c.1234C>A, p.Gln412Lys (NM_001291970.2); short protein forms Q412K, Q288K.
Identifiers: ClinVar variation 1704554 (VCV001704554.1), dbSNP rs143209023, ClinGen allele CA3827206.